The following is an entry in ClinVar:

ClinVar aggregate classification (germline): Likely benign. Review status: criteria provided, single submitter (1 of 4 stars). 2 submissions from 2 submitters: Likely benign (1). 1 of the submissions does not count toward it. Last evaluated 2026-01-08.

Conditions:
TNFRSF6B-related disorder. Also called: TNFRSF6B-related condition.

Allele frequency attached by ClinVar (database versions not stated): ExAC 0.00045; 1000 Genomes Project 0.00080; gnomAD 0.00089 and 0.00099; 1000 Genomes Project 30x 0.00094; ESP Exome Variant Server 0.00101.
gnomAD v4.1: 333 of 1,611,820 alleles (0.021%); highest among the groups gnomAD compares: African/African-American, 0.3%; 3 homozygotes.

Submissions (2):

Labcorp Genetics (formerly Invitae), Labcorp
Classification: Likely benign. Last evaluated: 2026-01-08. Review status: criteria provided, single submitter. Criteria: Invitae Variant Classification Sherloc (09022015). Collection method: clinical testing. Allele origin: germline.

PreventionGenetics, part of Exact Sciences
Classification: Likely benign for TNFRSF6B-related condition. Last evaluated: 2024-03-12. Review status: no assertion criteria provided. Collection method: clinical testing. Allele origin: germline. Not counted in ClinVar's aggregate classification.
Comment: This variant is classified as likely benign based on ACMG/AMP sequence variant interpretation guidelines (Richards et al. 2015 PMID: 25741868, with internal and published modifications).

NM_003823.4(TNFRSF6B):c.116G>A (p.Arg39Gln)

Genes: TNFRSF6B (TNF receptor superfamily member 6b; plus strand), RTEL1-TNFRSF6B (RTEL1-TNFRSF6B readthrough (NMD candidate); plus strand). Cytogenetic location: 20q13.33.
Variant type: single nucleotide variant.
Coding change: c.116G>A on transcript NM_003823.4 (MANE Select); coding-DNA position 116, G replaced by A.
Protein change: p.Arg39Gln; replaces arginine 39 with glutamine.
Molecular consequence: missense variant. On other transcripts: non-coding transcript variant (1).
Genome position (GRCh38, 1-based): chr20:63,696,883, G>A. VCF-style: chr20-63696883-G-A. GRCh37 (hg19) VCF-style: chr20-62328236-G-A.
Other names: c.116G>A (NM_003823.3); short protein forms R39Q.
Identifiers: ClinVar variation 1668738 (VCV001668738.10), dbSNP rs144974329, ClinGen allele CA9966322.